The following is an entry in ClinVar:

ClinVar aggregate classification (germline): Uncertain significance (1 of 4 stars; one submission).

Conditions:
Sclerosteosis 2 (SOST2). Identifiers: Orphanet 3152, MedGen C3280402, MONDO:0013679, OMIM 614305.
Congenital myasthenic syndrome 17. Identifiers: Orphanet 590, MedGen C4225377, MONDO:0014578, OMIM 616304.
Cenani-Lenz syndactyly syndrome. Also called: CENANI SYNDACTYLISM; SYNDACTYLY, TYPE VII. Identifiers: Orphanet 3258, MedGen C1859309, MONDO:0008931, OMIM 212780.

Submission:

Labcorp Genetics (formerly Invitae), Labcorp
Classification: Uncertain significance for Cenani-Lenz syndactyly syndrome; Sclerosteosis 2; Congenital myasthenic syndrome 17. Last evaluated: 2022-07-23. Review status: criteria provided, single submitter. Criteria: Invitae Variant Classification Sherloc (09022015). Collection method: clinical testing. Allele origin: germline.
Comment: This variant is not present in population databases (gnomAD no frequency). This sequence change replaces aspartic acid, which is acidic and polar, with glutamic acid, which is acidic and polar, at codon 1859 of the LRP4 protein (p.Asp1859Glu). This variant has not been reported in the literature in individuals affected with LRP4-related conditions. In summary, the available evidence is currently insufficient to determine the role of this variant in disease. Therefore, it has been classified as a Variant of Uncertain Significance. Algorithms developed to predict the effect of missense changes on protein structure and function are either unavailable or do not agree on the potential impact of this missense change (SIFT: "Deleterious"; PolyPhen-2: "Benign"; Align-GVGD: "Class C0").

NM_002334.4(LRP4):c.5577C>G (p.Asp1859Glu)

Genes: LRP4 (LDL receptor related protein 4; minus strand), LRP4-AS1 (LRP4 antisense RNA 1; plus strand). Cytogenetic location: 11p11.2.
Variant type: single nucleotide variant.
Coding change: c.5577C>G on transcript NM_002334.4 (MANE Select); coding-DNA position 5577, C replaced by G.
Protein change: p.Asp1859Glu; replaces aspartic acid 1859 with glutamic acid.
Molecular consequence: missense variant.
Genome position (GRCh38, 1-based): chr11:46,859,124, G>C on the plus strand (C>G on the coding strand, the complement: LRP4 is on the minus strand). VCF-style: chr11-46859124-G-C. GRCh37 (hg19) VCF-style: chr11-46880675-G-C.
Other names: short protein forms D1859E.
Identifiers: ClinVar variation 1713599 (VCV001713599.5), dbSNP rs2539689273, ClinGen allele CA380283707.
Genomic context (GRCh38, chr11:46,859,124, plus strand): 5'-TGCAGTATGGACGCTGCTACACTCAGACTGCTCTTCCTGTAACAGCTGCTCCGTCTCTGT[G>C]TCATCCAGGGAGCCAGAGCTGGCCTGGATGGACACCGTGTCTGTCTTCATGCATACATGA-3'
Protein context (NP_002325.2, residues 1849-1869): SIQASSGSLD[Asp1859Glu]TETEQLLQEE